The following is an entry in ClinVar:

NM_005476.7(GNE):c.1411+1G>C

Gene: GNE (glucosamine (UDP-N-acetyl)-2-epimerase/N-acetylmannosamine kinase; minus strand). Cytogenetic location: 9p13.3.
Variant type: single nucleotide variant.
Coding change: c.1411+1G>C on transcript NM_005476.7 (MANE Select); the canonical splice donor site of the intron after coding-DNA position 1411, G replaced by C.
Molecular consequence: splice donor variant.
Genome position (GRCh38, 1-based): chr9:36,223,372, C>G on the plus strand (G>C on the coding strand, the complement: GNE is on the minus strand). VCF-style: chr9-36223372-C-G. GRCh37 (hg19) VCF-style: chr9-36223369-C-G.
Other names: c.1234+1G>C (NM_001190388.2, NM_001374798.1); c.1504+1G>C (NM_001128227.3); c.1081+1G>C (NM_001190384.3); c.1258+1G>C (NM_001374797.1); c.1411+1G>C (NM_001190383.3).
Identifiers: ClinVar variation 2943406 (VCV002943406.3), dbSNP rs1828696455, ClinGen allele CA373427061.

ClinVar aggregate classification (germline): Likely pathogenic (1 of 4 stars; one submission).

Conditions:
Sialuria. Also called: SIALURIA, FRENCH TYPE; Sialic Acid Storage Disease. Identifiers: Orphanet 3166, MedGen C0342853, MONDO:0010028, OMIM 269921.
GNE myopathy (NM). Also called: NONAKA DISTAL MYOPATHY; INCLUSION BODY MYOPATHY, HEREDITARY, AUTOSOMAL RECESSIVE; INCLUSION BODY MYOPATHY 2, AUTOSOMAL RECESSIVE; MYOPATHY, DISTAL, WITH OR WITHOUT RIMMED VACUOLES; IBM 2; Inclusion body myopathy autosomal recessive. Identifiers: Orphanet 602, MedGen C1853926, MONDO:0011603, OMIM 605820.

Allele frequency attached by ClinVar (database versions not stated): TOPMed below 0.00001.

Submission:

Labcorp Genetics (formerly Invitae), Labcorp
Classification: Likely pathogenic for Sialuria; GNE myopathy. Last evaluated: 2023-01-19. Review status: criteria provided, single submitter. Criteria: Invitae Variant Classification Sherloc (09022015). Collection method: clinical testing. Allele origin: germline.
Comment: This sequence change affects a donor splice site in intron 8 of the GNE gene. It is expected to disrupt RNA splicing. Variants that disrupt the donor or acceptor splice site typically lead to a loss of protein function (PMID: 16199547), and loss-of-function variants in GNE are known to be pathogenic (PMID: 24027297). This variant is not present in population databases (gnomAD no frequency). This variant has not been reported in the literature in individuals affected with GNE-related conditions. Algorithms developed to predict the effect of sequence changes on RNA splicing suggest that this variant may disrupt the consensus splice site. In summary, the currently available evidence indicates that the variant is pathogenic, but additional data are needed to prove that conclusively. Therefore, this variant has been classified as Likely Pathogenic.

Literature cited by the submitters: PubMed 16199547; PubMed 24027297.